The following is an entry in ClinVar:

NM_006466.4(POLR3F):c.778G>A (p.Val260Ile)

Gene: POLR3F (RNA polymerase III subunit F; plus strand). Cytogenetic location: 20p11.23.
Variant type: single nucleotide variant.
Coding change: c.778G>A on transcript NM_006466.4 (MANE Select); coding-DNA position 778, G replaced by A.
Protein change: p.Val260Ile; replaces valine 260 with isoleucine.
Molecular consequence: missense variant. On other transcripts: non-coding transcript variant (1).
Genome position (GRCh38, 1-based): chr20:18,481,715, G>A. VCF-style: chr20-18481715-G-A. GRCh37 (hg19) VCF-style: chr20-18462359-G-A.
Other names: c.655G>A, p.Val219Ile (NM_001282526.2); c.634G>A, p.Val212Ile (NM_001410821.1); short protein forms V219I, V212I, V260I.
Identifiers: ClinVar variation 4768440 (VCV004768440.1).

ClinVar aggregate classification (germline): Uncertain significance (1 of 4 stars; one submission).

gnomAD v4.1: 14 of 1,612,914 alleles (0.00087%); highest among the groups gnomAD compares: African/African-American, 0.0013%; no homozygotes.

Submission:

Labcorp Genetics (formerly Invitae), Labcorp
Classification: Uncertain significance. Last evaluated: 2026-01-03. Review status: criteria provided, single submitter. Criteria: Invitae Variant Classification Sherloc (09022015). Collection method: clinical testing. Allele origin: germline.
Comment: This sequence change replaces valine, which is neutral and non-polar, with isoleucine, which is neutral and non-polar, at codon 219 of the POLR3F protein (p.Val219Ile). The frequency data for this variant in the population databases is considered unreliable, as metrics indicate poor data quality at this position in the gnomAD database. This variant has not been reported in the literature in individuals affected with POLR3F-related conditions. Experimental studies and prediction algorithms are not available or were not evaluated, and the functional significance of this variant is currently unknown. In summary, the available evidence is currently insufficient to determine the role of this variant in disease. Therefore, it has been classified as a Variant of Uncertain Significance.